The following is an entry in ClinVar:

NM_001267550.2(TTN):c.103432G>A (p.Asp34478Asn)

Genes: TTN (titin; minus strand), TTN-AS1 (TTN antisense RNA 1; plus strand). Cytogenetic location: 2q31.2.
Variant type: single nucleotide variant.
Coding change: c.103432G>A on transcript NM_001267550.2 (MANE Select); coding-DNA position 103432, G replaced by A.
Protein change: p.Asp34478Asn; replaces aspartic acid 34478 with asparagine.
Molecular consequence: missense variant.
Genome position (GRCh38, 1-based): chr2:178,533,183, C>T on the plus strand (G>A on the coding strand, the complement: TTN is on the minus strand). VCF-style: chr2-178533183-C-T. GRCh37 (hg19) VCF-style: chr2-179397910-C-T.
Other names: c.98509G>A, p.Asp32837Asn (NM_001256850.1); c.76237G>A, p.Asp25413Asn (NM_003319.4); c.95728G>A, p.Asp31910Asn (NM_133378.4); c.76612G>A, p.Asp25538Asn (NM_133432.3); c.76813G>A, p.Asp25605Asn (NM_133437.4); short protein forms D25413N, D25538N, D25605N, D31910N, D32837N, D34478N.
Identifiers: ClinVar variation 1055337 (VCV001055337.8), dbSNP rs878913368, ClinGen allele CA60957150.
Genomic context (GRCh38, chr2:178,533,183, plus strand): 5'-CCTGTGTCAGTGGTACACTTTCAGTTCCAGAAAGAATTTCAGCCATTCTGAGGGTTTTGT[C>T]AATTTGTTTTTGTACGTGTCGCTCATGCTCCTCCTTACTCTTGAATTCCTGTTTCTTGTA-3'
Protein context (NP_001254479.2, residues 34468-34488): EHERHVQKQI[Asp34478Asn]KTLRMAEILS

ClinVar aggregate classification (germline): Uncertain significance. Review status: criteria provided, multiple submitters, no conflicts (2 of 4 stars). 2 submissions from 2 submitters: Uncertain significance (2). Last evaluated 2024-07-16.

Conditions:
Hypertrophic cardiomyopathy 9. Also called: Familial hypertrophic cardiomyopathy 9. Identifiers: MedGen C1861065, MONDO:0013412, OMIM 613765.
Tibial muscular dystrophy (TMD). Also called: UDD MYOPATHY; Udd Distal Myopathy – Tibial Muscular Dystrophy; Tibial muscular dystrophy, tardive. Identifiers: Orphanet 609, MedGen C1838244, MONDO:0010870, OMIM 600334.
Early-onset myopathy with fatal cardiomyopathy (CMYO5). Also called: Salih Myopathy; CONGENITAL MYOPATHY 5 WITH CARDIOMYOPATHY. Identifiers: Orphanet 289377, MedGen C2673677, MONDO:0012714, OMIM 611705. Disease mechanism: loss of function.
Myopathy, myofibrillar, 9, with early respiratory failure (MFM9). Also called: MYOPATHY, PROXIMAL, WITH EARLY RESPIRATORY MUSCLE INVOLVEMENT; Hereditary myopathy with early respiratory failure; EDSTROM MYOPATHY; Myopathy, distal, with early respiratory failure, autosomal dominant. Identifiers: Orphanet 178464, Orphanet 34521, MedGen C1863599, MONDO:0011362, OMIM 603689.
Dilated cardiomyopathy 1G (CMD1G). Identifiers: Orphanet 154, MedGen C1858763, MONDO:0011400, OMIM 604145.
Autosomal recessive limb-girdle muscular dystrophy type 2J (LGMDR10). Also called: Limb-girdle muscular dystrophy, type 2J; MUSCULAR DYSTROPHY, LIMB-GIRDLE, AUTOSOMAL RECESSIVE 10. Identifiers: Orphanet 140922, MedGen C1837342, MONDO:0012127, OMIM 608807.

Allele frequency attached by ClinVar (database versions not stated): gnomAD exomes below 0.00001; gnomAD 0.00001; TOPMed 0.00001.
gnomAD v4.1: 2 of 1,613,790 alleles (0.00012%); highest among the groups gnomAD compares: Non-Finnish European, 0.00017%; no homozygotes.

Submissions (2):

Labcorp Genetics (formerly Invitae), Labcorp
Classification: Uncertain significance for Dilated cardiomyopathy 1G; Autosomal recessive limb-girdle muscular dystrophy type 2J. Last evaluated: 2024-07-16. Review status: criteria provided, single submitter. Criteria: Invitae Variant Classification Sherloc (09022015). Collection method: clinical testing. Allele origin: germline.
Comment: This sequence change replaces aspartic acid, which is acidic and polar, with asparagine, which is neutral and polar, at codon 34478 of the TTN protein (p.Asp34478Asn). This variant is present in population databases (no rsID available, gnomAD 0.002%). This variant has not been reported in the literature in individuals affected with TTN-related conditions. ClinVar contains an entry for this variant (Variation ID: 1055337). Experimental studies and prediction algorithms are not available or were not evaluated, and the functional significance of this variant is currently unknown. This variant is located in the M band of TTN (PMID: 25589632). Non-truncating variants in this region may be relevant for neuromuscular disorders, but have not been definitively shown to cause cardiomyopathy (PMID: 23975875). In summary, the available evidence is currently insufficient to determine the role of this variant in disease. Therefore, it has been classified as a Variant of Uncertain Significance.

Fulgent Genetics
Classification: Uncertain significance for Tibial muscular dystrophy; Myopathy, myofibrillar, 9, with early respiratory failure; Dilated cardiomyopathy 1G; Autosomal recessive limb-girdle muscular dystrophy type 2J; Early-onset myopathy with fatal cardiomyopathy; Hypertrophic cardiomyopathy 9. Last evaluated: 2021-07-02. Review status: criteria provided, single submitter. Criteria: ACMG Guidelines, 2015. Collection method: clinical testing. Allele origin: unknown.

Literature cited by the submitters: PubMed 25589632 (cited by Labcorp Genetics (formerly Invitae), Labcorp); PubMed 23975875 (cited by Labcorp Genetics (formerly Invitae), Labcorp).